The following is an entry in ClinVar:

ClinVar aggregate classification (germline): Uncertain significance (1 of 4 stars; one submission).

gnomAD v4.1: 2 of 1,612,732 alleles (0.00012%); highest among the groups gnomAD compares: South Asian, 0.0022%; no homozygotes.

Submission:

Labcorp Genetics (formerly Invitae), Labcorp
Classification: Uncertain significance. Last evaluated: 2025-03-31. Review status: criteria provided, single submitter. Criteria: Invitae Variant Classification Sherloc (09022015). Collection method: clinical testing. Allele origin: germline.
Comment: This sequence change replaces isoleucine, which is neutral and non-polar, with threonine, which is neutral and polar, at codon 1049 of the COL18A1 protein (p.Ile1049Thr). This variant is not present in population databases (gnomAD no frequency). This variant has not been reported in the literature in individuals affected with COL18A1-related conditions. ClinVar contains an entry for this variant (Variation ID: 1430055). Experimental studies and prediction algorithms are not available or were not evaluated, and the functional significance of this variant is currently unknown. In summary, the available evidence is currently insufficient to determine the role of this variant in disease. Therefore, it has been classified as a Variant of Uncertain Significance.

NM_001379500.1(COL18A1):c.3155T>C (p.Ile1052Thr)

Genes: COL18A1 (collagen type XVIII alpha 1 chain; plus strand), SLC19A1 (solute carrier family 19 member 1; minus strand). Cytogenetic location: 21q22.3.
Variant type: single nucleotide variant.
Coding change: c.3155T>C on transcript NM_001379500.1 (MANE Select); coding-DNA position 3155, T replaced by C.
Protein change: p.Ile1052Thr; replaces isoleucine 1052 with threonine.
Molecular consequence: missense variant.
Genome position (GRCh38, 1-based): chr21:45,505,905, T>C. VCF-style: chr21-45505905-T-C. GRCh37 (hg19) VCF-style: chr21-46925819-T-C.
Other names: c.3686T>C, p.Ile1229Thr (NM_030582.4); c.4391T>C, p.Ile1464Thr (NM_130444.3); short protein forms I1229T, I1464T, I1052T.
Identifiers: ClinVar variation 1430055 (VCV001430055.6), dbSNP rs1452110458, ClinGen allele CA410499960.
Genomic context (GRCh38, chr21:45,505,905, plus strand): 5'-TCTGGGCTACACGCCAGGCCATGCTGGGCCAGGTGCACGAGGTTCCCGAGGGCTGGCTCA[T>C]CTTCGTGGCCGAGCAGGAGGAGCTCTACGTCCGCGTGCAGAACGGGTTCCGGAAGGTCCA-3'
Protein context (NP_001366429.1, residues 1042-1062): QVHEVPEGWL[Ile1052Thr]FVAEQEELYV